The following is an entry in ClinVar:

NM_004006.3(DMD):c.4847C>G (p.Ala1616Gly)

Gene: DMD (dystrophin; minus strand). Cytogenetic location: Xp21.1.
Variant type: single nucleotide variant.
Coding change: c.4847C>G on transcript NM_004006.3 (MANE Select); coding-DNA position 4847, C replaced by G.
Protein change: p.Ala1616Gly; replaces alanine 1616 with glycine.
Molecular consequence: missense variant.
Genome position (GRCh38, 1-based): chrX:32,365,198, G>C on the plus strand (C>G on the coding strand, the complement: DMD is on the minus strand). VCF-style: chrX-32365198-G-C. GRCh37 (hg19) VCF-style: chrX-32383315-G-C.
Other names: c.4823C>G, p.Ala1608Gly (NM_000109.4); c.4835C>G, p.Ala1612Gly (NM_004009.3); c.4478C>G, p.Ala1493Gly (NM_004010.3); c.824C>G, p.Ala275Gly (NM_004011.4); c.815C>G, p.Ala272Gly (NM_004012.4); short protein forms A1493G, A1608G, A1616G, A272G, A1612G, A275G.
Identifiers: ClinVar variation 669035 (VCV000669035.8), dbSNP rs370167370, ClinGen allele CA10378836.

ClinVar aggregate classification (germline): Likely benign. Review status: criteria provided, multiple submitters, no conflicts (2 of 4 stars). 3 submissions from 3 submitters: Likely benign (3). Last evaluated 2025-11-06.

Conditions:
Cardiovascular phenotype. Identifiers: MedGen CN230736.
Duchenne muscular dystrophy (DMD). Also called: MUSCULAR DYSTROPHY, PSEUDOHYPERTROPHIC PROGRESSIVE, DUCHENNE TYPE; Duchenne Muscular Dystrophy (DMD). Identifiers: Orphanet 98896, MedGen C0013264, MONDO:0010679, OMIM 310200.

Allele frequency attached by ClinVar (database versions not stated): ExAC 0.00001; gnomAD exomes 0.00001; TOPMed 0.00001; gnomAD 0.00004; ESP Exome Variant Server 0.00009.
gnomAD v4.1: 23 of 1,207,605 alleles (0.0019%); highest among the groups gnomAD compares: Non-Finnish European, 0.0026%; no homozygotes.

Submissions (3):

Labcorp Genetics (formerly Invitae), Labcorp
Classification: Likely benign for Duchenne muscular dystrophy. Last evaluated: 2025-11-06. Review status: criteria provided, single submitter. Criteria: Invitae Variant Classification Sherloc (09022015). Collection method: clinical testing. Allele origin: germline.

Ambry Genetics
Classification: Likely benign for Cardiovascular phenotype. Last evaluated: 2024-10-03. Review status: criteria provided, single submitter. Criteria: Ambry Variant Classification Scheme 2023. Collection method: clinical testing. Allele origin: germline.

GeneDx
Classification: Likely benign. Last evaluated: 2018-06-01. Review status: criteria provided, single submitter. Criteria: GeneDx Variant Classification (06012015). Collection method: clinical testing. Allele origin: germline. Affected: yes.
Comment: This variant is considered likely benign or benign based on one or more of the following criteria: it is a conservative change, it occurs at a poorly conserved position in the protein, it is predicted to be benign by multiple in silico algorithms, and/or has population frequency not consistent with disease.

Literature cited by the submitters: PubMed 33726816 (cited by Ambry Genetics); PubMed 37273706 (cited by Ambry Genetics).